The following is an entry in ClinVar:

ClinVar aggregate classification (germline): Benign. Review status: criteria provided, multiple submitters, no conflicts (2 of 4 stars). 10 submissions from 10 submitters: Benign (8). 2 of the submissions do not count toward it. Last evaluated 2026-02-01.

Conditions:
Microcephalic osteodysplastic primordial dwarfism type II (MOPD2). Also called: Microcephalic osteodysplastic primordial dwarfism with tooth abnormalities; MOPD II; OSTEODYSPLASTIC PRIMORDIAL DWARFISM, TYPE II. Identifiers: Orphanet 2637, MedGen C0432246, MONDO:0008872, OMIM 210720.

Allele frequency attached by ClinVar (database versions not stated): TOPMed 0.00476; 1000 Genomes Project 30x 0.00500; ESP Exome Variant Server 0.00538; 1000 Genomes Project 0.00539; gnomAD 0.00573 and 0.00619; gnomAD exomes 0.00758; ExAC 0.00784.
gnomAD v4.1: 12,760 of 1,614,088 alleles (0.79%); highest among the groups gnomAD compares: South Asian, 1.8%; 71 homozygotes.

Submissions (10):

Labcorp Genetics (formerly Invitae), Labcorp
Classification: Benign. Last evaluated: 2026-02-01. Review status: criteria provided, single submitter. Criteria: Invitae Variant Classification Sherloc (09022015). Collection method: clinical testing. Allele origin: germline.

ARUP Laboratories, Molecular Genetics and Genomics, ARUP Laboratories
Classification: Benign for Microcephalic osteodysplastic primordial dwarfism type II. Last evaluated: 2025-05-06. Review status: criteria provided, single submitter. Criteria: ARUP Molecular Germline Variant Investigation Process 2024. Collection method: clinical testing. Allele origin: germline.

Illumina Laboratory Services, Illumina
Classification: Benign for Microcephalic osteodysplastic primordial dwarfism type II. Last evaluated: 2017-04-27. Review status: criteria provided, single submitter. Criteria: ICSL Variant Classification Criteria 13 December 2019. Collection method: clinical testing. Allele origin: germline.
Comment: This variant was observed as part of a predisposition screen in an ostensibly healthy population. A literature search was performed for the gene, cDNA change, and amino acid change (where applicable). No publications were found based on this search. Allele frequency data from public databases was too high to be consistent with this variant causing disease. Therefore, this variant is classified as benign.

Clinical Genetics DNA and cytogenetics Diagnostics Lab, Erasmus MC, Erasmus Medical Center
Classification: Benign for Microcephalic osteodysplastic primordial dwarfism type II. Last evaluated: 2015-09-21. Review status: criteria provided, single submitter. Criteria: ACGS Guidelines, 2013. Collection method: clinical testing. Allele origin: germline. Affected: yes. Study: VKGL Data-share Consensus.

Genetic Services Laboratory, University of Chicago
Classification: Benign. Last evaluated: 2015-09-21. Review status: criteria provided, single submitter. Criteria: ACMG Guidelines, 2015. Collection method: clinical testing. Allele origin: germline. Affected: no.

GeneDx
Classification: Benign. Last evaluated: 2015-03-03. Review status: criteria provided, single submitter. Criteria: GeneDx Variant Classification Process June 2021. Collection method: clinical testing. Allele origin: germline. Affected: yes.

Eurofins Ntd Llc (ga)
Classification: Benign. Last evaluated: 2013-05-09. Review status: criteria provided, single submitter. Criteria: EGL Classification Definitions 2015. Collection method: clinical testing. Allele origin: germline. Observed: 1 variant allele, 1 heterozygote.

Breakthrough Genomics
Classification: Benign. Review status: criteria provided, single submitter. Criteria: ACMG Guidelines, 2015. Collection method: not provided. Allele origin: germline. Inheritance: Autosomal recessive inheritance. Affected: yes.

Diagnostic Laboratory, Department of Genetics, University Medical Center Groningen
Classification: Likely benign for Microcephalic osteodysplastic primordial dwarfism type II. Review status: no assertion criteria provided. Collection method: clinical testing. Allele origin: germline. Affected: yes. Study: VKGL Data-share Consensus. Not counted in ClinVar's aggregate classification.

Laboratory of Diagnostic Genome Analysis, Leiden University Medical Center (LUMC)
Classification: Likely benign. Review status: no assertion criteria provided. Collection method: clinical testing. Allele origin: germline. Affected: yes. Study: VKGL Data-share Consensus. Not counted in ClinVar's aggregate classification.

NM_006031.6(PCNT):c.8752-5A>C

Gene: PCNT (pericentrin; plus strand). Cytogenetic location: 21q22.3.
Variant type: single nucleotide variant.
Coding change: c.8752-5A>C on transcript NM_006031.6 (MANE Select); 5 bases into the intron before coding-DNA position 8752, A replaced by C.
Molecular consequence: intron variant.
Genome position (GRCh38, 1-based): chr21:46,435,899, A>C. VCF-style: chr21-46435899-A-C. GRCh37 (hg19) VCF-style: chr21-47855812-A-C.
Other names: c.8161-5A>C (NM_001315529.2).
Identifiers: ClinVar variation 95342 (VCV000095342.34), dbSNP rs149444205, ClinGen allele CA148452.